The following is an entry in ClinVar:

NM_145167.3(PIGM):c.120C>T (p.Asp40=)

Gene: PIGM (phosphatidylinositol glycan anchor biosynthesis class M; minus strand). Cytogenetic location: 1q23.2.
Variant type: single nucleotide variant.
Coding change: c.120C>T on transcript NM_145167.3 (MANE Select); coding-DNA position 120, C replaced by T.
Protein change: p.Asp40=; no amino-acid change (aspartic acid 40 retained).
Molecular consequence: synonymous variant.
Genome position (GRCh38, 1-based): chr1:160,031,620, G>A on the plus strand (C>T on the coding strand, the complement: PIGM is on the minus strand). VCF-style: chr1-160031620-G-A. GRCh37 (hg19) VCF-style: chr1-160001410-G-A.
Identifiers: ClinVar variation 712300 (VCV000712300.10), dbSNP rs375538606, ClinGen allele CA1193117.

ClinVar aggregate classification (germline): Benign. Review status: criteria provided, single submitter (1 of 4 stars). 2 submissions from 2 submitters: Benign (1). 1 of the submissions does not count toward it. Last evaluated 2025-04-17.

Conditions:
Hypercoagulability syndrome due to glycosylphosphatidylinositol deficiency (GPIBD1). Also called: GLYCOSYLPHOSPHATIDYLINOSITOL BIOSYNTHESIS DEFECT 1. Identifiers: Orphanet 83639, MedGen C5201145, MONDO:0012465, OMIM 610293.
PIGM-related disorder. Also called: PIGM-related condition.

Allele frequency attached by ClinVar (database versions not stated): gnomAD 0.00016 and 0.00020; TOPMed 0.00025; ExAC 0.00039; gnomAD exomes 0.00048 and 0.00009; 1000 Genomes Project 30x 0.00125; 1000 Genomes Project 0.00160.

Submissions (2):

Labcorp Genetics (formerly Invitae), Labcorp
Classification: Benign for Hypercoagulability syndrome due to glycosylphosphatidylinositol deficiency. Last evaluated: 2025-04-17. Review status: criteria provided, single submitter. Criteria: Invitae Variant Classification Sherloc (09022015). Collection method: clinical testing. Allele origin: germline.

PreventionGenetics, part of Exact Sciences
Classification: Likely benign for PIGM-related condition. Last evaluated: 2019-10-28. Review status: no assertion criteria provided. Collection method: clinical testing. Allele origin: germline. Not counted in ClinVar's aggregate classification.
Comment: This variant is classified as likely benign based on ACMG/AMP sequence variant interpretation guidelines (Richards et al. 2015 PMID: 25741868, with internal and published modifications).